The following is an entry in ClinVar:

NM_006618.5(KDM5B):c.4586A>G (p.Asp1529Gly)

Gene: KDM5B (lysine demethylase 5B; minus strand). Cytogenetic location: 1q32.1.
Variant type: single nucleotide variant.
Coding change: c.4586A>G on transcript NM_006618.5 (MANE Select); coding-DNA position 4586, A replaced by G.
Protein change: p.Asp1529Gly; replaces aspartic acid 1529 with glycine.
Molecular consequence: missense variant.
Genome position (GRCh38, 1-based): chr1:202,729,085, T>C on the plus strand (A>G on the coding strand, the complement: KDM5B is on the minus strand). VCF-style: chr1-202729085-T-C. GRCh37 (hg19) VCF-style: chr1-202698213-T-C.
Other names: c.4694A>G, p.Asp1565Gly (NM_001314042.2); c.4451A>G, p.Asp1484Gly (NM_001347591.2); c.4571A>G, p.Asp1524Gly (NM_001399817.1); short protein forms D1484G, D1524G, D1529G, D1565G.
Identifiers: ClinVar variation 3371937 (VCV003371937.1).

ClinVar aggregate classification (germline): Uncertain significance (1 of 4 stars; one submission).

gnomAD v4.1: 1 of 1,614,122 alleles (0.000062%); highest among the groups gnomAD compares: Non-Finnish European, 0.000085%; no homozygotes.

Submission:

GeneDx
Classification: Uncertain significance. Last evaluated: 2024-04-02. Review status: criteria provided, single submitter. Criteria: GeneDx Variant Classification Process June 2021. Collection method: clinical testing. Allele origin: germline. Affected: yes.
Comment: Not observed at significant frequency in large population cohorts (gnomAD); In silico analysis supports that this missense variant has a deleterious effect on protein structure/function; Has not been previously published as pathogenic or benign to our knowledge